The following is an entry in ClinVar:

ClinVar aggregate classification (germline): Benign (0 of 4 stars; one submission).

Conditions:
EFCAB13-related disorder. Also called: EFCAB13-related condition.

Allele frequency attached by ClinVar (database versions not stated): gnomAD exomes 0.60824; 1000 Genomes Project 0.62181; 1000 Genomes Project 30x 0.62492; gnomAD 0.63808; TOPMed 0.64413; ESP Exome Variant Server 0.65081; ExAC 0.60390.
gnomAD v4.1: 961,805 of 1,572,736 alleles (61%); highest among the groups gnomAD compares: African/African-American, 73%; 295,789 homozygotes.

Submission:

PreventionGenetics, part of Exact Sciences
Classification: Benign for EFCAB13-related condition. Last evaluated: 2019-10-17. Review status: no assertion criteria provided. Collection method: clinical testing. Allele origin: germline.
Comment: This variant is classified as benign based on ACMG/AMP sequence variant interpretation guidelines (Richards et al. 2015 PMID: 25741868, with internal and published modifications).

NM_152347.5(EFCAB13):c.934G>A (p.Val312Ile)

Gene: EFCAB13 (EF-hand calcium binding domain 13; plus strand). Cytogenetic location: 17q21.32.
Variant type: single nucleotide variant.
Coding change: c.934G>A on transcript NM_152347.5 (MANE Select); coding-DNA position 934, G replaced by A.
Protein change: p.Val312Ile; replaces valine 312 with isoleucine.
Molecular consequence: missense variant.
Genome position (GRCh38, 1-based): chr17:47,374,528, G>A. VCF-style: chr17-47374528-G-A. GRCh37 (hg19) VCF-style: chr17-45451894-G-A.
Other names: c.646G>A, p.Val216Ile (NM_001195192.2, NM_001426588.1); c.934G>A, p.Val312Ile (NM_001426585.1); c.790G>A, p.Val264Ile (NM_001426586.1, NM_001426587.1); short protein forms V216I, V264I, V312I.
Identifiers: ClinVar variation 3059444 (VCV003059444.2), dbSNP rs4968318, ClinGen allele CA8623840.